The following is an entry in ClinVar:

NM_006245.4(PPP2R5D):c.478C>T (p.Arg160Cys)

Gene: PPP2R5D (protein phosphatase 2 regulatory subunit B'delta; plus strand). Cytogenetic location: 6p21.1.
Variant type: single nucleotide variant.
Coding change: c.478C>T on transcript NM_006245.4 (MANE Select); coding-DNA position 478, C replaced by T.
Protein change: p.Arg160Cys; replaces arginine 160 with cysteine.
Molecular consequence: missense variant.
Genome position (GRCh38, 1-based): chr6:43,007,066, C>T. VCF-style: chr6-43007066-C-T. GRCh37 (hg19) VCF-style: chr6-42974804-C-T.
Other names: c.25C>T, p.Arg9Cys (NM_001270476.2); c.382C>T, p.Arg128Cys (NM_180976.3); c.160C>T, p.Arg54Cys (NM_180977.3); short protein forms R128C, R160C, R54C, R9C.
Identifiers: ClinVar variation 2582373 (VCV002582373.4), dbSNP rs1554131695, ClinGen allele CA364183545.

ClinVar aggregate classification (germline): Uncertain significance. Review status: criteria provided, multiple submitters, no conflicts (2 of 4 stars). 2 submissions from 2 submitters: Uncertain significance (2). Last evaluated 2023-11-27.

Conditions:
Houge-Janssens syndrome 1. Also called: PPP2R5D-Related Neurodevelopmental Disorder; Intellectual disability-macrocephaly-hypotonia-behavioral abnormalities syndrome; INTELLECTUAL DEVELOPMENTAL DISORDER, AUTOSOMAL DOMINANT 35; Hogue-Janssens syndrome 1. Identifiers: Orphanet 457279, MedGen C5779996, MONDO:0014602, OMIM 616355.

Allele frequency attached by ClinVar (database versions not stated): gnomAD exomes below 0.00001.
gnomAD v4.1: 3 of 1,614,092 alleles (0.00019%); highest among the groups gnomAD compares: Non-Finnish European, 0.00025%; no homozygotes.

Submissions (2):

Labcorp Genetics (formerly Invitae), Labcorp
Classification: Uncertain significance. Last evaluated: 2023-11-27. Review status: criteria provided, single submitter. Criteria: Invitae Variant Classification Sherloc (09022015). Collection method: clinical testing. Allele origin: germline.
Comment: This sequence change replaces arginine, which is basic and polar, with cysteine, which is neutral and slightly polar, at codon 160 of the PPP2R5D protein (p.Arg160Cys). This variant is not present in population databases (gnomAD no frequency). This missense change has been observed in individual(s) with clinical features of PPP2R5D-related conditions (PMID: 33004838). An algorithm developed to predict the effect of missense changes on protein structure and function (PolyPhen-2) suggests that this variant is likely to be disruptive. In summary, the available evidence is currently insufficient to determine the role of this variant in disease. Therefore, it has been classified as a Variant of Uncertain Significance.

Baylor Genetics
Classification: Uncertain significance for Houge-Janssens syndrome 1. Last evaluated: 2023-08-26. Review status: criteria provided, single submitter. Criteria: ACMG Guidelines, 2015. Collection method: clinical testing. Allele origin: unknown.

Literature cited by the submitters: PubMed 33004838 (cited by Labcorp Genetics (formerly Invitae), Labcorp).